The following is an entry in ClinVar:

NM_006651.4(CPLX1):c.382C>A (p.Leu128Met)

Gene: CPLX1 (complexin 1; minus strand). Cytogenetic location: 4p16.3.
Variant type: single nucleotide variant.
Coding change: c.382C>A on transcript NM_006651.4 (MANE Select); coding-DNA position 382, C replaced by A.
Protein change: p.Leu128Met; replaces leucine 128 with methionine.
Molecular consequence: missense variant.
Genome position (GRCh38, 1-based): chr4:786,524, G>T on the plus strand (C>A on the coding strand, the complement: CPLX1 is on the minus strand). VCF-style: chr4-786524-G-T. GRCh37 (hg19) VCF-style: chr4-780312-G-T.
Other names: CPLX1, LEU128MET (rs371709824); short protein forms L128M.
Identifiers: ClinVar variation 523650 (VCV000523650.12), dbSNP rs371709824, ClinGen allele CA2796888.

ClinVar aggregate classification (germline): Conflicting classifications of pathogenicity. Review status: criteria provided, conflicting classifications (1 of 4 stars). 5 submissions from 5 submitters: Likely pathogenic (1); Uncertain significance (3). 1 of the submissions does not count toward it. Last evaluated 2023-01-23.

Conditions:
Developmental and epileptic encephalopathy, 63. Also called: EPILEPTIC ENCEPHALOPATHY, EARLY INFANTILE, 63. Identifiers: MedGen C4693810, MONDO:0033372, OMIM 617976.
4p partial monosomy syndrome (WHS). Also called: CHROMOSOME 4p16.3 DELETION SYNDROME; WITTWER SYNDROME; PITT SYNDROME; Wolf-Hirschhorn syndrome. Identifiers: Orphanet 280, MedGen C1956097, MONDO:0008684, OMIM 194190.

Allele frequency attached by ClinVar (database versions not stated): gnomAD exomes 0.00007 and 0.00009; ESP Exome Variant Server 0.00008; ExAC 0.00009; gnomAD 0.00009; TOPMed 0.00009.
gnomAD v4.1: 116 of 1,599,682 alleles (0.0073%); highest among the groups gnomAD compares: Non-Finnish European, 0.0027%; no homozygotes.

Submissions (5):

Department of Pathology and Laboratory Medicine, Sinai Health System
Classification: Uncertain significance for Developmental and epileptic encephalopathy, 63; 4p partial monosomy syndrome. Last evaluated: 2023-01-23. Review status: criteria provided, single submitter. Criteria: ACMG Guidelines, 2015. Collection method: research. Allele origin: germline.

Labcorp Genetics (formerly Invitae), Labcorp
Classification: Uncertain significance. Last evaluated: 2021-12-02. Review status: criteria provided, single submitter. Criteria: Invitae Variant Classification Sherloc (09022015). Collection method: clinical testing. Allele origin: germline.
Comment: This sequence change replaces leucine, which is neutral and non-polar, with methionine, which is neutral and non-polar, at codon 128 of the CPLX1 protein (p.Leu128Met). This variant is present in population databases (rs371709824, gnomAD 0.2%). This missense change has been observed in individual(s) with severe infantile myoclonic epilepsy and intellectual disability (PMID: 28422131). ClinVar contains an entry for this variant (Variation ID: 523650). Algorithms developed to predict the effect of missense changes on protein structure and function are either unavailable or do not agree on the potential impact of this missense change (SIFT: "Deleterious"; PolyPhen-2: "Probably Damaging"; Align-GVGD: "Class C0"). In summary, the available evidence is currently insufficient to determine the role of this variant in disease. Therefore, it has been classified as a Variant of Uncertain Significance.

SIB Swiss Institute of Bioinformatics
Classification: Uncertain significance for Developmental and epileptic encephalopathy, 63. Last evaluated: 2018-10-15. Review status: criteria provided, single submitter. Criteria: ACMG Guidelines, 2015. Collection method: curation. Allele origin: germline.
Comment: This variant is interpreted as Uncertain Significance - Insufficient Evidence, for Epileptic encephalopathy, early infantile, 63, autosomal recessive. The following ACMG Tag(s) were applied: PM2 => Absent from controls (or at extremely low frequency if recessive) in Exome Sequencing Project, 1000 Genomes Project, or Exome Aggregation Consortium.

Institute of Human Genetics, University of Leipzig Medical Center
Classification: Likely pathogenic for Developmental and epileptic encephalopathy, 63. Last evaluated: 2017-06-25. Review status: criteria provided, single submitter. Criteria: ACMG Guidelines, 2015. Collection method: research. Allele origin: germline.

OMIM
Classification: Pathogenic for DEVELOPMENTAL AND EPILEPTIC ENCEPHALOPATHY 63. Last evaluated: 2020-11-17. Review status: no assertion criteria provided. Collection method: literature only. Allele origin: germline. Not counted in ClinVar's aggregate classification.

Literature cited by the submitters: PubMed 28422131 (cited by 4 submitters).